The following is an entry in ClinVar:

ClinVar aggregate classification (germline): Uncertain significance. Review status: criteria provided, multiple submitters, no conflicts (2 of 4 stars). 3 submissions from 3 submitters: Uncertain significance (3). Last evaluated 2026-08-11.

Conditions:
Tumor predisposition syndrome 3 (TPDS3). Also called: Melanoma, cutaneous malignant, susceptibility to, 10; Glioma susceptibility 9; LONG TELOMERE SYNDROME, POT1-RELATED; POT1 Tumor Predisposition. Identifiers: Orphanet 618, MedGen C4014476, MONDO:0014368, OMIM 615848.
POT1-related disorder. Also called: POT1-related condition.
Hereditary cancer-predisposing syndrome. Also called: Neoplastic Syndromes, Hereditary; Hereditary Cancer Syndrome; Tumor predisposition; Hereditary neoplastic syndrome. Identifiers: Orphanet 140162, MedGen C0027672, MeSH D009386, MONDO:0015356.

Allele frequency attached by ClinVar (database versions not stated): ExAC 0.00002; gnomAD exomes 0.00002.
gnomAD v4.1: 1 of 1,614,022 alleles (0.000062%); no homozygotes.

Submissions (3):

PreventionGenetics, part of Exact Sciences
Classification: Uncertain significance for POT1-related condition. Last evaluated: 2026-08-11. Review status: criteria provided, single submitter. Criteria: ACMG Guidelines, 2015. Collection method: clinical testing. Allele origin: germline.
Comment: The POT1 c.439T>G variant is predicted to result in the amino acid substitution p.Ser147Ala. To our knowledge, this variant has not been reported in the literature. It is reported in 0.022% of alleles in individuals of East Asian descent in gnomAD and is classified as uncertain in ClinVar (Variation ID: 846815). At this time, the clinical significance of this variant is uncertain due to the absence of conclusive functional and genetic evidence.

Labcorp Genetics (formerly Invitae), Labcorp
Classification: Uncertain significance for Tumor predisposition syndrome 3. Last evaluated: 2025-10-05. Review status: criteria provided, single submitter. Criteria: Invitae Variant Classification Sherloc (09022015). Collection method: clinical testing. Allele origin: germline.
Comment: This sequence change replaces serine, which is neutral and polar, with alanine, which is neutral and non-polar, at codon 147 of the POT1 protein (p.Ser147Ala). This variant is present in population databases (rs766947417, gnomAD 0.02%). This variant has not been reported in the literature in individuals affected with POT1-related conditions. ClinVar contains an entry for this variant (Variation ID: 846815). Invitae Evidence Modeling of protein sequence and biophysical properties (such as structural, functional, and spatial information, amino acid conservation, physicochemical variation, residue mobility, and thermodynamic stability) indicates that this missense variant is not expected to disrupt POT1 protein function with a negative predictive value of 80%. In summary, the available evidence is currently insufficient to determine the role of this variant in disease. Therefore, it has been classified as a Variant of Uncertain Significance.

Ambry Genetics
Classification: Uncertain significance for Hereditary cancer-predisposing syndrome. Last evaluated: 2024-10-12. Review status: criteria provided, single submitter. Criteria: Ambry Variant Classification Scheme 2023. Collection method: clinical testing. Allele origin: germline.
Comment: The p.S147A variant (also known as c.439T>G), located in coding exon 4 of the POT1 gene, results from a T to G substitution at nucleotide position 439. The serine at codon 147 is replaced by alanine, an amino acid with similar properties. This amino acid position is well conserved in available vertebrate species. In addition, this alteration is predicted to be tolerated by in silico analysis. Since supporting evidence is limited at this time, the clinical significance of this alteration remains unclear.

NM_015450.3(POT1):c.439T>G (p.Ser147Ala)

Gene: POT1 (protection of telomeres 1; minus strand). Cytogenetic location: 7q31.33.
Variant type: single nucleotide variant.
Coding change: c.439T>G on transcript NM_015450.3 (MANE Select); coding-DNA position 439, T replaced by G.
Protein change: p.Ser147Ala; replaces serine 147 with alanine.
Molecular consequence: missense variant. On other transcripts: non-coding transcript variant (3).
Genome position (GRCh38, 1-based): chr7:124,863,457, A>C on the plus strand (T>G on the coding strand, the complement: POT1 is on the minus strand). VCF-style: chr7-124863457-A-C. GRCh37 (hg19) VCF-style: chr7-124503511-A-C.
Other names: c.46T>G, p.Ser16Ala (NM_001042594.2); short protein forms S147A, S16A.
Identifiers: ClinVar variation 846815 (VCV000846815.12), dbSNP rs766947417, ClinGen allele CA4465447.
Genomic context (GRCh38, chr7:124,863,457, plus strand): 5'-GACAAGTCAGGTCAAAATACTGCATTGGCTGAACATCACACAATTTTAGTAATGTCCAAG[A>C]CGGTGACATATGAGTAGATGCCCAAACACGTAAGGCTTCTACCATTTTGTGGTCCTCAGT-3'
Protein context (NP_056265.2, residues 137-157): RVWASTHMSP[Ser147Ala]WTLLKLCDVQ